The following is an entry in ClinVar:

ClinVar aggregate classification (germline): Uncertain significance (1 of 4 stars; one submission).

Conditions:
Paroxysmal nonkinesigenic dyskinesia. Also called: Paroxysmal non-kinesigenic dyskinesia. Identifiers: Orphanet 98810, MedGen C1869117, MONDO:0700088.

Allele frequency attached by ClinVar (database versions not stated): gnomAD exomes 0.00003; ExAC 0.00006; gnomAD 0.00015; 1000 Genomes Project 30x 0.00016; 1000 Genomes Project 0.00020.
gnomAD v4.1: 63 of 1,612,532 alleles (0.0039%); no homozygotes.

Submission:

Labcorp Genetics (formerly Invitae), Labcorp
Classification: Uncertain significance for Paroxysmal nonkinesigenic dyskinesia. Last evaluated: 2022-03-18. Review status: criteria provided, single submitter. Criteria: Invitae Variant Classification Sherloc (09022015). Collection method: clinical testing. Allele origin: germline.
Comment: In summary, the available evidence is currently insufficient to determine the role of this variant in disease. Therefore, it has been classified as a Variant of Uncertain Significance. Algorithms developed to predict the effect of missense changes on protein structure and function are either unavailable or do not agree on the potential impact of this missense change (SIFT: "Deleterious"; PolyPhen-2: "Possibly Damaging"; Align-GVGD: "Class C0"). This variant has not been reported in the literature in individuals affected with PNKD-related conditions. This variant is present in population databases (rs200454806, gnomAD 0.07%), and has an allele count higher than expected for a pathogenic variant. This sequence change replaces threonine, which is neutral and polar, with isoleucine, which is neutral and non-polar, at codon 84 of the PNKD protein (p.Thr84Ile).

NM_015488.5(PNKD):c.251C>T (p.Thr84Ile)

Genes: CATIP-AS2 (CATIP antisense RNA 2; minus strand), PNKD (PNKD metallo-beta-lactamase domain containing; plus strand). Cytogenetic location: 2q35.
Variant type: single nucleotide variant.
Coding change: c.251C>T on transcript NM_015488.5 (MANE Select); coding-DNA position 251, C replaced by T.
Protein change: p.Thr84Ile; replaces threonine 84 with isoleucine.
Molecular consequence: missense variant.
Genome position (GRCh38, 1-based): chr2:218,339,797, C>T. VCF-style: chr2-218339797-C-T. GRCh37 (hg19) VCF-style: chr2-219204520-C-T.
Other names: c.179C>T, p.Thr60Ile (NM_022572.5); short protein forms T84I, T60I.
Identifiers: ClinVar variation 2163299 (VCV002163299.4), dbSNP rs200454806, ClinGen allele CA2103868.